The following is an entry in ClinVar:

NM_000466.3(PEX1):c.1393_1394del (p.Val465fs)

Gene: PEX1 (peroxisomal biogenesis factor 1; minus strand). Cytogenetic location: 7q21.2.
Variant type: Deletion.
Coding change: c.1393_1394del on transcript NM_000466.3 (MANE Select); coding-DNA positions 1393 to 1394, 2 bases deleted (GT; older notation c.1393_1394delGT).
Protein change: p.Val465fs; shifts the reading frame from valine 465.
Molecular consequence: frameshift variant.
Genome position (GRCh38, 1-based): chr7:92,511,669-92,511,670, AC deleted on the plus strand (GT on the coding strand, the reverse complement: PEX1 is on the minus strand); deleting any 2 consecutive bases within chr7:92,511,669-92,511,671 gives the same sequence; the c. name uses the placement nearest the transcript's 3' end. VCF-style (leftmost placement, unchanged base first): chr7-92511668-TAC-T. GRCh37 (hg19) VCF-style: chr7-92140982-TAC-T.
Other names: c.1393_1394delGT (NM_000466.2); c.1393_1394del, p.Val465fs (NM_001282677.2); c.769_770del, p.Val257fs (NM_001282678.2); short protein forms V257fs, V465fs.
Identifiers: ClinVar variation 1324879 (VCV001324879.11), dbSNP rs1164941642, ClinGen allele CA843853104.

ClinVar aggregate classification (germline): Pathogenic/Likely pathogenic. Review status: criteria provided, multiple submitters, no conflicts (2 of 4 stars). 4 submissions from 4 submitters: Pathogenic (1); Likely pathogenic (3). Last evaluated 2025-08-14.

Conditions:
Zellweger spectrum disorders (ZS). Also called: Zellweger Spectrum Disorder; Zellweger Spectrum; Zellweger Spectrum Disorder (ZSD); Zellweger syndrome. Identifiers: Orphanet 912, MedGen C0043459, MONDO:0019609.
Heimler syndrome 1 (HMLR1). Also called: PEROXISOME BIOGENESIS DISORDER 1C. Identifiers: Orphanet 3220, MedGen C4551980, OMIM 234580, MONDO:0024544.

Submissions (4):

Natera, Inc.
Classification: Likely pathogenic for Zellweger syndrome. Last evaluated: 2025-08-14. Review status: criteria provided, single submitter. Criteria: Natera Variant Classification Schema (03/2026). Collection method: clinical testing. Allele origin: germline.
Comment: The c.1393_1394delGT variant in PEX1 is a frameshift variant predicted to shift the reading frame beginning at codon 465 and leads to a stop codon 24 codons downstream. This variant is expected to result in nonsense mediated decay, truncation, or a dysfunctional protein product. This variant is rare in the general population with a frequency below the threshold expected for the associated phenotype(s). Given the available evidence, this variant is classified as Likely Pathogenic.

Baylor Genetics
Classification: Likely pathogenic for Heimler syndrome 1. Last evaluated: 2023-06-18. Review status: criteria provided, single submitter. Criteria: ACMG Guidelines, 2015. Collection method: clinical testing. Allele origin: unknown.

Labcorp Genetics (formerly Invitae), Labcorp
Classification: Pathogenic for Zellweger spectrum disorders. Last evaluated: 2022-12-24. Review status: criteria provided, single submitter. Criteria: Invitae Variant Classification Sherloc (09022015). Collection method: clinical testing. Allele origin: germline.
Comment: This sequence change creates a premature translational stop signal (p.Val465Ilefs*24) in the PEX1 gene. It is expected to result in an absent or disrupted protein product. Loss-of-function variants in PEX1 are known to be pathogenic (PMID: 9398847, 16086329, 16141001, 21031596, 26387595, 31831025). This variant is not present in population databases (gnomAD no frequency). This variant has not been reported in the literature in individuals affected with PEX1-related conditions. ClinVar contains an entry for this variant (Variation ID: 1324879). For these reasons, this variant has been classified as Pathogenic.

Revvity Omics, Revvity
Classification: Likely pathogenic. Last evaluated: 2021-08-13. Review status: criteria provided, single submitter. Criteria: ACMG Guidelines, 2015. Collection method: clinical testing. Allele origin: germline.

Literature cited by the submitters: PubMed 9398847 (cited by Labcorp Genetics (formerly Invitae), Labcorp); PubMed 16086329 (cited by Labcorp Genetics (formerly Invitae), Labcorp); PubMed 16141001 (cited by Labcorp Genetics (formerly Invitae), Labcorp); PubMed 21031596 (cited by Labcorp Genetics (formerly Invitae), Labcorp); PubMed 26387595 (cited by Labcorp Genetics (formerly Invitae), Labcorp); PubMed 31831025 (cited by Labcorp Genetics (formerly Invitae), Labcorp).